The following is an entry in ClinVar:

ClinVar aggregate classification (germline): Uncertain significance (1 of 4 stars; one submission).

gnomAD v4.1: 2 of 1,613,014 alleles (0.00012%); highest among the groups gnomAD compares: Non-Finnish European, 0.00017%; no homozygotes.

Submission:

GeneDx
Classification: Uncertain significance. Last evaluated: 2024-02-15. Review status: criteria provided, single submitter. Criteria: GeneDx Variant Classification Process June 2021. Collection method: clinical testing. Allele origin: germline. Affected: yes.
Comment: Not observed at significant frequency in large population cohorts (gnomAD); In silico analysis supports that this missense variant has a deleterious effect on protein structure/function; Has not been previously published as pathogenic or benign to our knowledge

NM_016366.3(CABP2):c.331G>A (p.Gly111Ser)

Gene: CABP2 (calcium binding protein 2; minus strand). Cytogenetic location: 11q13.2.
Variant type: single nucleotide variant.
Coding change: c.331G>A on transcript NM_016366.3 (MANE Select); coding-DNA position 331, G replaced by A.
Protein change: p.Gly111Ser; replaces glycine 111 with serine.
Molecular consequence: missense variant.
Genome position (GRCh38, 1-based): chr11:67,521,073, C>T on the plus strand (G>A on the coding strand, the complement: CABP2 is on the minus strand). VCF-style: chr11-67521073-C-T. GRCh37 (hg19) VCF-style: chr11-67288544-C-T.
Other names: c.349G>A, p.Gly117Ser (NM_001318496.2); short protein forms G111S, G117S.
Identifiers: ClinVar variation 3369193 (VCV003369193.1).